The following is an entry in ClinVar:

ClinVar aggregate classification (germline): Benign. Review status: criteria provided, single submitter (1 of 4 stars). 2 submissions from 2 submitters: Benign (1). 1 of the submissions does not count toward it. Last evaluated 2023-03-31.

Conditions:
CFL2-related disorder. Also called: CFL2-related condition.
Nemaline myopathy 7 (NEM7). Also called: Nemaline myopathy 7, autosomal recessive. Identifiers: Orphanet 171436, MedGen C1853154, MONDO:0012538, OMIM 610687.

Submissions (4):

Labcorp Genetics (formerly Invitae), Labcorp
Classification: Benign for Nemaline myopathy 7. Last evaluated: 2023-03-31. Review status: criteria provided, single submitter. Criteria: Invitae Variant Classification Sherloc (09022015). Collection method: clinical testing. Allele origin: germline.

PreventionGenetics, part of Exact Sciences
Classification: Likely benign for CFL2-related condition. Last evaluated: 2020-02-10. Review status: no assertion criteria provided. Collection method: clinical testing. Allele origin: germline. Not counted in ClinVar's aggregate classification.
Comment: This variant is classified as likely benign based on ACMG/AMP sequence variant interpretation guidelines (Richards et al. 2015 PMID: 25741868, with internal and published modifications).

Dr. Peter K. Rogan Lab, Western University
No classification provided (evidence only). Condition: Uterine corpus endometrial carcinoma. Review status: no classification provided. Collection method: in vitro. Allele origin: not applicable. Functional consequence: retained intron. Not counted in ClinVar's aggregate classification.

Dr. Peter K. Rogan Lab, Western University
No classification provided (evidence only). Condition: Uterine corpus endometrial carcinoma. Review status: no classification provided. Collection method: in vitro. Allele origin: not applicable. Functional consequence: retained intron. Not counted in ClinVar's aggregate classification.

NM_138638.5(CFL2):c.312-8_312-7del

Gene: CFL2 (cofilin 2; minus strand). Cytogenetic location: 14q13.1.
Variant type: Deletion.
Coding change: c.312-8_312-7del on transcript NM_138638.5 (MANE Select); 8 bases into the intron before coding-DNA position 312 through 7 bases into the intron before coding-DNA position 312, 2 bases deleted (TT; older notation c.312-8_312-7delTT).
Molecular consequence: intron variant.
Genome position (GRCh38, 1-based): chr14:34,713,143-34,713,144, AA deleted on the plus strand (TT on the coding strand, the reverse complement: CFL2 is on the minus strand); deleting any 2 consecutive bases within chr14:34,713,143-34,713,154 gives the same sequence; the c. name uses the placement nearest the transcript's 3' end. VCF-style (leftmost placement, unchanged base first): chr14-34713142-GAA-G. GRCh37 (hg19) VCF-style: chr14-35182348-GAA-G.
Other names: NC_000014.8:g.35182359_35182360del; c.312-8_312-7delTT (NM_021914.7); c.312-18_312-17del (NM_138638.5); c.261-8_261-7del (NM_001243645.2); c.312-8_312-7del (NM_021914.8).
Identifiers: ClinVar variation 741878 (VCV000741878.13), dbSNP rs35515423, ClinGen allele CA7152288.